The following is an entry in ClinVar:

NM_001024630.4(RUNX2):c.40C>A (p.Gln14Lys)

Genes: RUNX2 (RUNX family transcription factor 2; plus strand), SUPT3H (SPT3 homolog, SAGA and STAGA complex component; minus strand). Cytogenetic location: 6p21.1.
Variant type: single nucleotide variant.
Coding change: c.40C>A on transcript NM_001024630.4 (MANE Select); coding-DNA position 40, C replaced by A.
Protein change: p.Gln14Lys; replaces glutamine 14 with lysine.
Molecular consequence: missense variant. On other transcripts: non-coding transcript variant (2), intron variant (8).
Genome position (GRCh38, 1-based): chr6:45,328,766, C>A. VCF-style: chr6-45328766-C-A. GRCh37 (hg19) VCF-style: chr6-45296503-C-A.
Other names: c.40C>A, p.Gln14Lys (NM_001015051.4); c.-73+36435G>T (NM_001350327.2); c.101+36435G>T (NM_001350325.2, NM_003599.4, NM_001350324.2 and 1 more transcripts); c.-265+36435G>T (NM_001261823.2); c.-51-5799G>T (NM_181356.3, NM_001350326.2); short protein forms Q14K.
Identifiers: ClinVar variation 3616825 (VCV003616825.2).

ClinVar aggregate classification (germline): Uncertain significance (1 of 4 stars; one submission).

gnomAD v4.1: 28 of 1,611,994 alleles (0.0017%); highest among the groups gnomAD compares: Non-Finnish European, 0.0023%; no homozygotes.

Submission:

Labcorp Genetics (formerly Invitae), Labcorp
Classification: Uncertain significance. Last evaluated: 2024-12-29. Review status: criteria provided, single submitter. Criteria: Invitae Variant Classification Sherloc (09022015). Collection method: clinical testing. Allele origin: germline.
Comment: This sequence change replaces glutamine, which is neutral and polar, with lysine, which is basic and polar, at codon 14 of the RUNX2 protein (p.Gln14Lys). This variant is present in population databases (rs768149057, gnomAD 0.002%). This variant has not been reported in the literature in individuals affected with RUNX2-related conditions. An algorithm developed to predict the effect of missense changes on protein structure and function (PolyPhen-2) suggests that this variant is likely to be disruptive. Algorithms developed to predict the effect of sequence changes on RNA splicing suggest that this variant may create or strengthen a splice site. In summary, the available evidence is currently insufficient to determine the role of this variant in disease. Therefore, it has been classified as a Variant of Uncertain Significance.